The following is an entry in ClinVar:

ClinVar aggregate classification (germline): Uncertain significance. Review status: criteria provided, multiple submitters, no conflicts (2 of 4 stars). 2 submissions from 2 submitters: Uncertain significance (2). Last evaluated 2026-02-01.

gnomAD v4.1: 37 of 1,610,670 alleles (0.0023%); highest among the groups gnomAD compares: Non-Finnish European, 0.003%; no homozygotes.

Submissions (2):

Labcorp Genetics (formerly Invitae), Labcorp
Classification: Uncertain significance. Last evaluated: 2026-02-01. Review status: criteria provided, single submitter. Criteria: Invitae Variant Classification Sherloc (09022015). Collection method: clinical testing. Allele origin: germline.
Comment: This sequence change affects codon 70 of the FGF23 mRNA. It is a 'silent' change, meaning that it does not change the encoded amino acid sequence of the FGF23 protein. It affects a nucleotide within the consensus splice site. This variant is present in population databases (rs747749073, gnomAD 0.003%). This variant has not been reported in the literature in individuals affected with FGF23-related conditions. ClinVar contains an entry for this variant (Variation ID: 3717552). Algorithms developed to predict the effect of sequence changes on RNA splicing suggest that this variant is not likely to affect RNA splicing. In summary, the available evidence is currently insufficient to determine the role of this variant in disease. Therefore, it has been classified as a Variant of Uncertain Significance.

Women's Health and Genetics/Laboratory Corporation of America, LabCorp
Classification: Uncertain significance. Last evaluated: 2025-07-16. Review status: criteria provided, single submitter. Criteria: LabCorp Variant Classification Summary - May 2015. Collection method: clinical testing. Allele origin: germline.
Comment: Variant summary: FGF23 c.210C>T (p.Tyr70Tyr) alters a conserved nucleotide located close to a canonical splice site and therefore could affect mRNA splicing, leading to a significantly altered protein sequence. Several computational tools predict a significant impact on normal splicing: Three predict the variant weakens a 5' donor site. One predict the variant no significant impact on splicing. However, these predictions have yet to be confirmed by functional studies. The variant allele was found at a frequency of 1.2e-05 in 249304 control chromosomes. The available data on variant occurrences in the general population are insufficient to allow any conclusion about variant significance. To our knowledge, no occurrence of c.210C>T in individuals affected with Autosomal Dominant Hypophosphatemic Rickets and no experimental evidence demonstrating its impact on protein function have been reported. ClinVar contains an entry for this variant (Variation ID: 3717552). Based on the evidence outlined above, the variant was classified as uncertain significance.

NM_020638.3(FGF23):c.210C>T (p.Tyr70=)

Gene: FGF23 (fibroblast growth factor 23; minus strand). Cytogenetic location: 12p13.32.
Variant type: single nucleotide variant.
Coding change: c.210C>T on transcript NM_020638.3 (MANE Select); coding-DNA position 210, C replaced by T.
Protein change: p.Tyr70=; no amino-acid change (tyrosine 70 retained).
Molecular consequence: synonymous variant.
Genome position (GRCh38, 1-based): chr12:4,379,373, G>A on the plus strand (C>T on the coding strand, the complement: FGF23 is on the minus strand). VCF-style: chr12-4379373-G-A. GRCh37 (hg19) VCF-style: chr12-4488539-G-A.
Identifiers: ClinVar variation 3717552 (VCV003717552.3).